The following is an entry in ClinVar:

NM_015599.3(PGM3):c.1448A>G (p.Asp483Gly)

Genes: DOP1A (DOP1 leucine zipper like protein A; plus strand), PGM3 (phosphoglucomutase 3; minus strand). Cytogenetic location: 6q14.1.
Variant type: single nucleotide variant.
Coding change: c.1448A>G on transcript NM_015599.3 (MANE Select); coding-DNA position 1448, A replaced by G.
Protein change: p.Asp483Gly; replaces aspartic acid 483 with glycine.
Molecular consequence: missense variant. On other transcripts: non-coding transcript variant (2).
Genome position (GRCh38, 1-based): chr6:83,170,396, T>C on the plus strand (A>G on the coding strand, the complement: PGM3 is on the minus strand). VCF-style: chr6-83170396-T-C. GRCh37 (hg19) VCF-style: chr6-83880115-T-C.
Other names: c.1532A>G, p.Asp511Gly (NM_001199917.2, NM_001367287.1); c.1205A>G, p.Asp402Gly (NM_001199918.2); c.1448A>G, p.Asp483Gly (NM_001199919.2); c.1325A>G, p.Asp442Gly (NM_001367286.1); short protein forms D483G, D442G, D402G, D511G.
Identifiers: ClinVar variation 1363911 (VCV001363911.7), dbSNP rs2128479046, ClinGen allele CA364878479.

ClinVar aggregate classification (germline): Uncertain significance (1 of 4 stars; one submission).

Conditions:
Immunodeficiency 23 (IMD23). Also called: IMMUNODEFICIENCY WITH HYPER IgE AND COGNITIVE IMPAIRMENT; IMMUNODEFICIENCY-VASCULITIS-MYOCLONUS SYNDROME. Identifiers: Orphanet 443811, MedGen C4014371, MONDO:0014353, OMIM 615816.

Allele frequency attached by ClinVar (database versions not stated): gnomAD exomes below 0.00001.
gnomAD v4.1: 3 of 1,614,108 alleles (0.00019%); highest among the groups gnomAD compares: South Asian, 0.0033%; no homozygotes.

Submission:

Labcorp Genetics (formerly Invitae), Labcorp
Classification: Uncertain significance for Immunodeficiency 23. Last evaluated: 2024-02-24. Review status: criteria provided, single submitter. Criteria: Invitae Variant Classification Sherloc (09022015). Collection method: clinical testing. Allele origin: germline.
Comment: This sequence change replaces aspartic acid, which is acidic and polar, with glycine, which is neutral and non-polar, at codon 511 of the PGM3 protein (p.Asp511Gly). This variant is not present in population databases (gnomAD no frequency). This variant has not been reported in the literature in individuals affected with PGM3-related conditions. ClinVar contains an entry for this variant (Variation ID: 1363911). Algorithms developed to predict the effect of missense changes on protein structure and function output the following: SIFT: "Not Available"; PolyPhen-2: "Benign"; Align-GVGD: "Not Available". The glycine amino acid residue is found in multiple mammalian species, which suggests that this missense change does not adversely affect protein function. In summary, the available evidence is currently insufficient to determine the role of this variant in disease. Therefore, it has been classified as a Variant of Uncertain Significance.